The following is an entry in ClinVar:

ClinVar aggregate classification (germline): Benign/Likely benign. Review status: criteria provided, multiple submitters, no conflicts (2 of 4 stars). 3 submissions from 3 submitters: Benign (2); Likely benign (1). Last evaluated 2025-11-06.

Allele frequency attached by ClinVar (database versions not stated): gnomAD exomes 0.00034 and 0.00087; ExAC 0.00111; 1000 Genomes Project 0.00300; gnomAD 0.00321 and 0.00340; 1000 Genomes Project 30x 0.00359; TOPMed 0.00362; ESP Exome Variant Server 0.00400.
gnomAD v4.1: 1,013 of 1,613,644 alleles (0.063%); highest among the groups gnomAD compares: African/African-American, 1.2%; 8 homozygotes.

Submissions (3):

Labcorp Genetics (formerly Invitae), Labcorp
Classification: Benign. Last evaluated: 2025-11-06. Review status: criteria provided, single submitter. Criteria: Invitae Variant Classification Sherloc (09022015). Collection method: clinical testing. Allele origin: germline.

Mayo Clinic Laboratories, Mayo Clinic
Classification: Likely benign. Last evaluated: 2024-11-27. Review status: criteria provided, single submitter. Criteria: ACMG Guidelines, 2015. Collection method: clinical testing. Allele origin: germline. Observed: 4 variant alleles.
Comment: BS1

Breakthrough Genomics
Classification: Benign. Review status: criteria provided, single submitter. Criteria: ACMG Guidelines, 2015. Collection method: not provided. Allele origin: germline. Inheritance: Autosomal dominant inheritance. Affected: yes.

NM_002250.3(KCNN4):c.229G>A (p.Val77Met)

Gene: KCNN4 (potassium calcium-activated channel subfamily N member 4; minus strand). Cytogenetic location: 19q13.31.
Variant type: single nucleotide variant.
Coding change: c.229G>A on transcript NM_002250.3 (MANE Select); coding-DNA position 229, G replaced by A.
Protein change: p.Val77Met; replaces valine 77 with methionine.
Molecular consequence: missense variant.
Genome position (GRCh38, 1-based): chr19:43,776,567, C>T on the plus strand (G>A on the coding strand, the complement: KCNN4 is on the minus strand). VCF-style: chr19-43776567-C-T. GRCh37 (hg19) VCF-style: chr19-44280719-C-T.
Other names: p.Val77Met; short protein forms V77M.
Identifiers: ClinVar variation 720213 (VCV000720213.8), dbSNP rs78552213, ClinGen allele CA9492056.
Genomic context (GRCh38, chr19:43,776,567, plus strand): 5'-AGGGAGCAAGGCTTAGGGGCGGGGCCTGCCCTACCTGGACCTCTTTGGCATGAAAGGCCA[C>T]GATGAGGCAGAGGAGTAAGAAGGTGGAAATGCTGATCGTGCATTTAACCAGGAACAGGTA-3'
Protein context (NP_002241.1, residues 67-87): ISTFLLLCLI[Val77Met]AFHAKEVQLF